The following is an entry in ClinVar:

NM_001042492.3(NF1):c.6158G>T (p.Arg2053Met)

Gene: NF1 (neurofibromin 1; plus strand). Cytogenetic location: 17q11.2.
Variant type: single nucleotide variant.
Coding change: c.6158G>T on transcript NM_001042492.3 (MANE Select); coding-DNA position 6158, G replaced by T.
Protein change: p.Arg2053Met; replaces arginine 2053 with methionine.
Molecular consequence: missense variant.
Genome position (GRCh38, 1-based): chr17:31,336,645, G>T. VCF-style: chr17-31336645-G-T. GRCh37 (hg19) VCF-style: chr17-29663663-G-T.
Other names: c.6095G>T, p.Arg2032Met (NM_000267.4); short protein forms R2032M, R2053M.
Identifiers: ClinVar variation 3404955 (VCV003404955.1).

ClinVar aggregate classification (germline): Uncertain significance (1 of 4 stars; one submission).

Conditions:
Hereditary cancer-predisposing syndrome. Also called: Hereditary Cancer Syndrome; Tumor predisposition; Hereditary neoplastic syndrome; Neoplastic Syndromes, Hereditary. Identifiers: Orphanet 140162, MedGen C0027672, MeSH D009386, MONDO:0015356.
Cardiovascular phenotype. Identifiers: MedGen CN230736.

Submission:

Ambry Genetics
Classification: Uncertain significance for Cardiovascular phenotype; Hereditary cancer-predisposing syndrome. Last evaluated: 2024-12-10. Review status: criteria provided, single submitter. Criteria: Ambry Variant Classification Scheme 2023. Collection method: clinical testing. Allele origin: germline.
Comment: The p.R2032M variant (also known as c.6095G>T), located in coding exon 41 of the NF1 gene, results from a G to T substitution at nucleotide position 6095. The arginine at codon 2032 is replaced by methionine, an amino acid with similar properties. This amino acid position is conserved. In addition, this alteration is predicted to be deleterious by in silico analysis. Based on the available evidence, the clinical significance of this variant remains unclear.